The following is an entry in ClinVar:

NM_001318852.2(MAPK8IP3):c.1201G>A (p.Gly401Arg)

Gene: MAPK8IP3 (mitogen-activated protein kinase 8 interacting protein 3; plus strand). Cytogenetic location: 16p13.3.
Variant type: single nucleotide variant.
Coding change: c.1201G>A on transcript NM_001318852.2 (MANE Select); coding-DNA position 1201, G replaced by A.
Protein change: p.Gly401Arg; replaces glycine 401 with arginine.
Molecular consequence: missense variant.
Genome position (GRCh38, 1-based): chr16:1,748,705, G>A. VCF-style: chr16-1748705-G-A. GRCh37 (hg19) VCF-style: chr16-1798706-G-A.
Other names: c.1198G>A, p.Gly400Arg (NM_001040439.2, NM_015133.5); short protein forms G401R, G400R.
Identifiers: ClinVar variation 805862 (VCV000805862.6), dbSNP rs1596711175, ClinGen allele CA394229291.

ClinVar aggregate classification (germline): Conflicting classifications of pathogenicity. Review status: criteria provided, conflicting classifications (1 of 4 stars). 3 submissions from 3 submitters: Likely pathogenic (1); Uncertain significance (2). Last evaluated 2019-10-02.

Conditions:
Neurodevelopmental disorder with or without variable brain abnormalities; NEDBA. Also called: NEURODEVELOPMENTAL DISORDER WITH OR WITHOUT VARIABLE BRAIN ABNORMALITIES. Identifiers: MedGen C5193102, MONDO:0032755, OMIM 618443.
Inborn genetic diseases. Identifiers: MedGen C0950123, MeSH D030342.

Submissions (3):

SIB Swiss Institute of Bioinformatics
Classification: Uncertain significance for Neurodevelopmental disorder with or without variable brain abnormalities; NEDBA. Last evaluated: 2019-10-02. Review status: criteria provided, single submitter. Criteria: ACMG Guidelines, 2015. Collection method: curation. Allele origin: unknown.
Comment: This variant is interpreted as a variant of uncertain significance for Neurodevelopmental disorder with or without variable brain abnormalities, autosomal dominant. The following ACMG Tag(s) were applied: PM2, PP3.

Ambry Genetics
Classification: Uncertain significance for Inborn genetic diseases. Last evaluated: 2019-06-05. Review status: criteria provided, single submitter. Criteria: Ambry exome assertion method (8-5-2015). Collection method: clinical testing. Allele origin: germline. Affected: yes. Observed: 1 variant allele.

Institute of Human Genetics, University of Leipzig Medical Center
Classification: Likely pathogenic for Neurodevelopmental disorder with or without variable brain abnormalities; NEDBA. Last evaluated: 2019-02-07. Review status: criteria provided, single submitter. Criteria: ACMG Guidelines, 2015. Collection method: clinical testing. Allele origin: de novo. Affected: yes.
Comment: This variant was identified as de novo (maternity and paternity confirmed).

Literature cited by the submitters: PubMed 30612693 (cited by SIB Swiss Institute of Bioinformatics and Institute of Human Genetics, University of Leipzig Medical Center).